The following is an entry in ClinVar:

ClinVar aggregate classification (germline): Likely benign (1 of 4 stars; one submission).

Allele frequency attached by ClinVar (database versions not stated): 1000 Genomes Project 0.00100; 1000 Genomes Project 30x 0.00219; ESP Exome Variant Server 0.00245; gnomAD 0.00310; ExAC 0.00458.
gnomAD v4.1: 7,509 of 1,531,188 alleles (0.49%); highest among the groups gnomAD compares: Non-Finnish European, 0.57%; 25 homozygotes.

Submission:

CeGaT Center for Human Genetics Tuebingen
Classification: Likely benign. Last evaluated: 2026-04-01. Review status: criteria provided, single submitter. Criteria: CeGaT Center For Human Genetics Tuebingen Variant Classification Criteria Version 2. Collection method: clinical testing. Allele origin: germline. Affected: yes. Observed: 10 variant alleles.
Comment: TBL2: BP4, BS2

NM_012453.4(TBL2):c.117C>A (p.Ser39Arg)

Genes: TBL2 (transducin beta like 2; minus strand), LOC129998595 (ATAC-STARR-seq lymphoblastoid silent region 18254; plus strand). Cytogenetic location: 7q11.23.
Variant type: single nucleotide variant.
Coding change: c.117C>A on transcript NM_012453.4 (MANE Select); coding-DNA position 117, C replaced by A.
Protein change: p.Ser39Arg; replaces serine 39 with arginine.
Molecular consequence: missense variant. On other transcripts: 5 prime UTR variant (3).
Genome position (GRCh38, 1-based): chr7:73,578,433, G>T on the plus strand (C>A on the coding strand, the complement: TBL2 is on the minus strand). VCF-style: chr7-73578433-G-T. GRCh37 (hg19) VCF-style: chr7-72992763-G-T.
Other names: c.-144C>A (NM_001362660.2); c.-356C>A (NM_001362661.2); c.-517C>A (NM_001362662.2); short protein forms S39R.
Identifiers: ClinVar variation 2657557 (VCV002657557.24), dbSNP rs201337053, ClinGen allele CA4288807.